The following is an entry in ClinVar:

ClinVar aggregate classification (germline): Conflicting classifications of pathogenicity. Review status: criteria provided, conflicting classifications (1 of 4 stars). 4 submissions from 4 submitters: Uncertain significance (2); Likely benign (2). Last evaluated 2026-05-04.

Conditions:
PKD2-related disorder. Also called: PKD2-related condition.
Polycystic kidney disease 2 (PKD2). Also called: POLYCYSTIC KIDNEY DISEASE, ADULT, TYPE II; Polycystic Kidney Disease 2, Autosomal Dominant; POLYCYSTIC KIDNEY DISEASE 2 WITH OR WITHOUT POLYCYSTIC LIVER DISEASE. Identifiers: MedGen C2751306, MONDO:0013131, OMIM 613095.

Allele frequency attached by ClinVar (database versions not stated): TOPMed 0.00005; gnomAD exomes 0.00010 and 0.00013; gnomAD 0.00013 and 0.00014.
gnomAD v4.1: 193 of 1,489,108 alleles (0.013%); highest among the groups gnomAD compares: Non-Finnish European, 0.016%; no homozygotes.

Submissions (4):

PreventionGenetics, part of Exact Sciences
Classification: Likely benign for PKD2-related condition. Last evaluated: 2026-05-04. Review status: criteria provided, single submitter. Criteria: ACMG Guidelines, 2015. Collection method: clinical testing. Allele origin: germline.
Comment: This variant is classified as likely benign based on ACMG/AMP sequence variant interpretation guidelines (Richards et al. 2015 PMID: 25741868, with internal and published modifications).

CeGaT Center for Human Genetics Tuebingen
Classification: Likely benign. Last evaluated: 2025-10-01. Review status: criteria provided, single submitter. Criteria: CeGaT Center For Human Genetics Tuebingen Variant Classification Criteria Version 2. Collection method: clinical testing. Allele origin: germline. Affected: yes. Observed: 1 variant allele.
Comment: PKD2: BP4, BP7

Blueprint Genetics
Classification: Uncertain significance. Last evaluated: 2024-05-20. Review status: criteria provided, single submitter. Criteria: ACMG Guidelines, 2015. Collection method: clinical testing. Allele origin: germline.

Illumina Laboratory Services, Illumina
Classification: Uncertain significance for Polycystic kidney disease 2. Last evaluated: 2018-01-13. Review status: criteria provided, single submitter. Criteria: ICSL Variant Classification Criteria 13 December 2019. Collection method: clinical testing. Allele origin: germline.

NM_000297.4(PKD2):c.402G>A (p.Val134=)

Genes: PKD2 (polycystin 2, transient receptor potential cation channel; plus strand), LOC129992813 (ATAC-STARR-seq lymphoblastoid silent region 15559; plus strand). Cytogenetic location: 4q22.1.
Variant type: single nucleotide variant.
Coding change: c.402G>A on transcript NM_000297.4 (MANE Select); coding-DNA position 402, G replaced by A.
Protein change: p.Val134=; no amino-acid change (valine 134 retained).
Molecular consequence: synonymous variant. On other transcripts: non-coding transcript variant (1).
Genome position (GRCh38, 1-based): chr4:88,008,135, G>A. VCF-style: chr4-88008135-G-A. GRCh37 (hg19) VCF-style: chr4-88929287-G-A.
Identifiers: ClinVar variation 350015 (VCV000350015.13), dbSNP rs886059696, ClinGen allele CA10618562.